The following is an entry in ClinVar:

ClinVar aggregate classification (germline): Uncertain significance. Review status: criteria provided, multiple submitters, no conflicts (2 of 4 stars). 3 submissions from 3 submitters: Uncertain significance (2). 1 of the submissions does not count toward it. Last evaluated 2023-04-20.

Conditions:
SCLT1-related disorder. Also called: SCLT1-related condition.

Allele frequency attached by ClinVar (database versions not stated): gnomAD 0.00001; gnomAD exomes 0.00001; TOPMed 0.00001.
gnomAD v4.1: 6 of 1,607,352 alleles (0.00037%); highest among the groups gnomAD compares: Admixed American, 0.0051%; no homozygotes.

Submissions (3):

Blueprint Genetics
Classification: Uncertain significance. Last evaluated: 2023-04-20. Review status: criteria provided, single submitter. Criteria: ACMG Guidelines, 2015. Collection method: clinical testing. Allele origin: germline.

Labcorp Genetics (formerly Invitae), Labcorp
Classification: Uncertain significance. Last evaluated: 2022-05-25. Review status: criteria provided, single submitter. Criteria: Invitae Variant Classification Sherloc (09022015). Collection method: clinical testing. Allele origin: germline.
Comment: In summary, the available evidence is currently insufficient to determine the role of this variant in disease. Therefore, it has been classified as a Variant of Uncertain Significance. Algorithms developed to predict the effect of missense changes on protein structure and function are either unavailable or do not agree on the potential impact of this missense change (SIFT: "Tolerated"; PolyPhen-2: "Possibly Damaging"; Align-GVGD: "Class C0"). This variant has not been reported in the literature in individuals affected with SCLT1-related conditions. This variant is present in population databases (no rsID available, gnomAD 0.009%). This sequence change replaces isoleucine, which is neutral and non-polar, with lysine, which is basic and polar, at codon 485 of the SCLT1 protein (p.Ile485Lys).

PreventionGenetics, part of Exact Sciences
Classification: Uncertain significance for SCLT1-related condition. Last evaluated: 2024-08-06. Review status: no assertion criteria provided. Collection method: clinical testing. Allele origin: germline. Not counted in ClinVar's aggregate classification.
Comment: The SCLT1 c.1454T>A variant is predicted to result in the amino acid substitution p.Ile485Lys. To our knowledge, this variant has not been reported in the literature. This variant is reported in 0.0088% of alleles in individuals of Latino descent in gnomAD. At this time, the clinical significance of this variant is uncertain due to the absence of conclusive functional and genetic evidence.

NM_144643.4(SCLT1):c.1454T>A (p.Ile485Lys)

Gene: SCLT1 (sodium channel and clathrin linker 1; minus strand). Cytogenetic location: 4q28.2.
Variant type: single nucleotide variant.
Coding change: c.1454T>A on transcript NM_144643.4 (MANE Select); coding-DNA position 1454, T replaced by A.
Protein change: p.Ile485Lys; replaces isoleucine 485 with lysine.
Molecular consequence: missense variant.
Genome position (GRCh38, 1-based): chr4:128,943,174, A>T on the plus strand (T>A on the coding strand, the complement: SCLT1 is on the minus strand). VCF-style: chr4-128943174-A-T. GRCh37 (hg19) VCF-style: chr4-129864329-A-T.
Other names: c.1454T>A (NM_144643.3); short protein forms I485K.
Identifiers: ClinVar variation 1917584 (VCV001917584.7), dbSNP rs889846876, ClinGen allele CA105718745.
Genomic context (GRCh38, chr4:128,943,174, plus strand): 5'-TTCTCTCTCTCAGACTCCAATACATTTTGAAGTTTCTGAATCATTTCTTGGTAACGTGAT[A>T]TTTCTTCTGAGGAGCTGATTAAAAAACGAAATGAAAAGAATCCTTAAACTTAATGATCTA-3'
Protein context (NP_653244.2, residues 475-495): KQLETDSSEE[Ile485Lys]SRYQEMIQKL